The following is an entry in ClinVar:

ClinVar aggregate classification (germline): Uncertain significance. Review status: criteria provided, multiple submitters, no conflicts (2 of 4 stars). 3 submissions from 3 submitters: Uncertain significance (3). Last evaluated 2023-06-09.

Conditions:
Nephrolithiasis/nephrocalcinosis. Identifiers: MedGen CN580796.
Familial hypocalciuric hypercalcemia (FHH). Also called: Familial benign hypercalcemia. Identifiers: Orphanet 405, MedGen C1809471, MONDO:0018458.
Autosomal dominant hypocalcemia 1 (HYPOC1). Also called: HYPOCALCEMIA, FAMILIAL. Identifiers: MedGen C3715128, MONDO:0011013, OMIM 601198.
Neonatal severe primary hyperparathyroidism. Identifiers: Orphanet 417, MedGen C1832615, MONDO:0009397, OMIM 239200.
Familial hypocalciuric hypercalcemia 1. Also called: Hypercalcemia, familial benign type 1. Identifiers: Orphanet 405, Orphanet 93372, MedGen C0342637, MONDO:0007791, OMIM 145980.
Epilepsy, idiopathic generalized, susceptibility to, 8. Identifiers: MedGen C2752062, MONDO:0013032, OMIM 612899.

Allele frequency attached by ClinVar (database versions not stated): gnomAD exomes below 0.00001; TOPMed below 0.00001; ExAC 0.00001.
gnomAD v4.1: 2 of 1,613,268 alleles (0.00012%); highest among the groups gnomAD compares: Non-Finnish European, 0.00017%; no homozygotes.

Submissions (3):

Labcorp Genetics (formerly Invitae), Labcorp
Classification: Uncertain significance for Familial hypocalciuric hypercalcemia; Autosomal dominant hypocalcemia 1. Last evaluated: 2023-06-09. Review status: criteria provided, single submitter. Criteria: Invitae Variant Classification Sherloc (09022015). Collection method: clinical testing. Allele origin: germline.
Comment: This sequence change replaces leucine, which is neutral and non-polar, with valine, which is neutral and non-polar, at codon 464 of the CASR protein (p.Leu464Val). This variant is present in population databases (rs778165189, gnomAD 0.0009%). This variant has not been reported in the literature in individuals affected with CASR-related conditions. ClinVar contains an entry for this variant (Variation ID: 1059510). An algorithm developed to predict the effect of missense changes on protein structure and function (PolyPhen-2) suggests that this variant is likely to be disruptive. In summary, the available evidence is currently insufficient to determine the role of this variant in disease. Therefore, it has been classified as a Variant of Uncertain Significance.

Ambry Genetics
Classification: Uncertain significance for Nephrolithiasis/nephrocalcinosis. Last evaluated: 2023-04-19. Review status: criteria provided, single submitter. Criteria: Ambry Variant Classification Scheme 2023. Collection method: clinical testing. Allele origin: germline.
Comment: The p.L464V variant (also known as c.1390C>G), located in coding exon 4 of the CASR gene, results from a C to G substitution at nucleotide position 1390. The leucine at codon 464 is replaced by valine, an amino acid with highly similar properties. This amino acid position is highly conserved in available vertebrate species. In addition, this alteration is predicted to be deleterious by in silico analysis. Since supporting evidence is limited at this time, the clinical significance of this alteration remains unclear.

Fulgent Genetics
Classification: Uncertain significance for Familial hypocalciuric hypercalcemia 1; Neonatal severe primary hyperparathyroidism; Autosomal dominant hypocalcemia 1; Epilepsy, idiopathic generalized, susceptibility to, 8. Last evaluated: 2022-02-25. Review status: criteria provided, single submitter. Criteria: ACMG Guidelines, 2015. Collection method: clinical testing. Allele origin: unknown.

NM_000388.4(CASR):c.1390C>G (p.Leu464Val)

Gene: CASR (calcium sensing receptor; plus strand). Cytogenetic location: 3q21.1.
Variant type: single nucleotide variant.
Coding change: c.1390C>G on transcript NM_000388.4 (MANE Select); coding-DNA position 1390, C replaced by G.
Protein change: p.Leu464Val; replaces leucine 464 with valine.
Molecular consequence: missense variant.
Genome position (GRCh38, 1-based): chr3:122,275,824, C>G. VCF-style: chr3-122275824-C-G. GRCh37 (hg19) VCF-style: chr3-121994671-C-G.
Other names: c.1390C>G, p.Leu464Val (NM_001178065.2); c.1390C>G (NM_000388.3); short protein forms L464V.
Identifiers: ClinVar variation 1059510 (VCV001059510.9), dbSNP rs778165189, ClinGen allele CA2569650.